The following is an entry in ClinVar:

ClinVar aggregate classification (germline): Likely benign. Review status: criteria provided, single submitter (1 of 4 stars). 2 submissions from 2 submitters: Likely benign (1). 1 of the submissions does not count toward it. Last evaluated 2023-10-27.

Conditions:
CCDC88C-related disorder. Also called: CCDC88C-Related Disorders; CCDC88C-related condition.

Allele frequency attached by ClinVar (database versions not stated): gnomAD 0.00002; TOPMed 0.00002.
gnomAD v4.1: 88 of 1,608,344 alleles (0.0055%); highest among the groups gnomAD compares: Non-Finnish European, 0.0073%; no homozygotes.

Submissions (2):

Labcorp Genetics (formerly Invitae), Labcorp
Classification: Likely benign. Last evaluated: 2023-10-27. Review status: criteria provided, single submitter. Criteria: Invitae Variant Classification Sherloc (09022015). Collection method: clinical testing. Allele origin: germline.

PreventionGenetics, part of Exact Sciences
Classification: Likely benign for CCDC88C-related condition. Last evaluated: 2019-05-10. Review status: no assertion criteria provided. Collection method: clinical testing. Allele origin: germline. Not counted in ClinVar's aggregate classification.
Comment: This variant is classified as likely benign based on ACMG/AMP sequence variant interpretation guidelines (Richards et al. 2015 PMID: 25741868, with internal and published modifications).

NM_001080414.4(CCDC88C):c.2064G>A (p.Val688=)

Gene: CCDC88C (coiled-coil and HOOK domain protein 88C; minus strand). Cytogenetic location: 14q32.11.
Variant type: single nucleotide variant.
Coding change: c.2064G>A on transcript NM_001080414.4 (MANE Select); coding-DNA position 2064, G replaced by A.
Protein change: p.Val688=; no amino-acid change (valine 688 retained).
Molecular consequence: synonymous variant.
Genome position (GRCh38, 1-based): chr14:91,313,752, C>T on the plus strand (G>A on the coding strand, the complement: CCDC88C is on the minus strand). VCF-style: chr14-91313752-C-T. GRCh37 (hg19) VCF-style: chr14-91780096-C-T.
Other names: c.2064G>A (NM_001080414.3).
Identifiers: ClinVar variation 2971401 (VCV002971401.5), dbSNP rs777851448, ClinGen allele CA7309752.